The following is an entry in ClinVar:

NM_004863.4(SPTLC2):c.1065A>T (p.Thr355=)

Gene: SPTLC2 (serine palmitoyltransferase long chain base subunit 2; minus strand). Cytogenetic location: 14q24.3.
Variant type: single nucleotide variant.
Coding change: c.1065A>T on transcript NM_004863.4 (MANE Select); coding-DNA position 1065, A replaced by T.
Protein change: p.Thr355=; no amino-acid change (threonine 355 retained).
Molecular consequence: synonymous variant.
Genome position (GRCh38, 1-based): chr14:77,555,411, T>A on the plus strand (A>T on the coding strand, the complement: SPTLC2 is on the minus strand). VCF-style: chr14-77555411-T-A. GRCh37 (hg19) VCF-style: chr14-78021754-T-A.
Identifiers: ClinVar variation 508903 (VCV000508903.14), dbSNP rs138865310, ClinGen allele CA7289285.

ClinVar aggregate classification (germline): Likely benign. Review status: criteria provided, multiple submitters, no conflicts (2 of 4 stars). 4 submissions from 4 submitters: Likely benign (3). 1 of the submissions does not count toward it. Last evaluated 2025-09-16.

Conditions:
SPTLC2-related disorder. Also called: SPTLC2-related condition.
Inborn genetic diseases. Identifiers: MedGen C0950123, MeSH D030342.
Neuropathy, hereditary sensory and autonomic, type 1C. Also called: HSAN IC; HSN IC. Identifiers: Orphanet 36386, MedGen C3150896, MONDO:0013337, OMIM 613640.

Allele frequency attached by ClinVar (database versions not stated): gnomAD exomes 0.00005; ExAC 0.00007; ESP Exome Variant Server 0.00008; gnomAD 0.00008 and 0.00009; TOPMed 0.00008; 1000 Genomes Project 30x 0.00016; 1000 Genomes Project 0.00020.
gnomAD v4.1: 60 of 1,614,194 alleles (0.0037%); highest among the groups gnomAD compares: East Asian, 0.025%; 1 homozygote.

Submissions (4):

Labcorp Genetics (formerly Invitae), Labcorp
Classification: Likely benign for Neuropathy, hereditary sensory and autonomic, type 1C. Last evaluated: 2025-09-16. Review status: criteria provided, single submitter. Criteria: Invitae Variant Classification Sherloc (09022015). Collection method: clinical testing. Allele origin: germline.

Ambry Genetics
Classification: Likely benign for Inborn genetic diseases. Last evaluated: 2019-07-11. Review status: criteria provided, single submitter. Criteria: Ambry Variant Classification Scheme 2023. Collection method: clinical testing. Allele origin: germline.

GeneDx
Classification: Likely benign. Last evaluated: 2017-04-13. Review status: criteria provided, single submitter. Criteria: GeneDx Variant Classification (06012015). Collection method: clinical testing. Allele origin: germline. Affected: yes.
Comment: This variant is considered likely benign or benign based on one or more of the following criteria: it is a conservative change, it occurs at a poorly conserved position in the protein, it is predicted to be benign by multiple in silico algorithms, and/or has population frequency not consistent with disease.

PreventionGenetics, part of Exact Sciences
Classification: Likely benign for SPTLC2-related condition. Last evaluated: 2019-08-01. Review status: no assertion criteria provided. Collection method: clinical testing. Allele origin: germline. Not counted in ClinVar's aggregate classification.
Comment: This variant is classified as likely benign based on ACMG/AMP sequence variant interpretation guidelines (Richards et al. 2015 PMID: 25741868, with internal and published modifications).